The following is an entry in ClinVar:

NM_212552.3(BOLA3):c.188A>T (p.Tyr63Phe)

Gene: BOLA3 (bolA family member 3; minus strand). Cytogenetic location: 2p13.1.
Variant type: single nucleotide variant.
Coding change: c.188A>T on transcript NM_212552.3 (MANE Select); coding-DNA position 188, A replaced by T.
Protein change: p.Tyr63Phe; replaces tyrosine 63 with phenylalanine.
Molecular consequence: missense variant. On other transcripts: intron variant (1).
Genome position (GRCh38, 1-based): chr2:74,142,342, T>A on the plus strand (A>T on the coding strand, the complement: BOLA3 is on the minus strand). VCF-style: chr2-74142342-T-A. GRCh37 (hg19) VCF-style: chr2-74369469-T-A.
Other names: c.169+2847A>T (NM_001035505.2); c.188A>T (NM_212552.2); short protein forms Y63F.
Identifiers: ClinVar variation 1917964 (VCV001917964.5), dbSNP rs891955694, ClinGen allele CA50433605.
Genomic context (GRCh38, chr2:74,142,342, plus strand): 5'-ATCTGGTGCTGCTGGACAGTTCTCTTCTCCTTAAATTCTTCTGATTCAATTTTAATTTCA[T>A]ACATCGCCCCACAACCTCCTAAAATAAACATGATTCAAAAGCATTTCAATTATTAAGTCA-3'
Protein context (NP_997717.2, residues 53-73): TDISGGCGAM[Tyr63Phe]EIKIESEEFK

ClinVar aggregate classification (germline): Uncertain significance. Review status: criteria provided, multiple submitters, no conflicts (2 of 4 stars). 2 submissions from 2 submitters: Uncertain significance (2). Last evaluated 2025-08-29.

Conditions:
Inborn genetic diseases. Identifiers: MedGen C0950123, MeSH D030342.

gnomAD v4.1: 1 of 1,613,480 alleles (0.000062%); no homozygotes.

Submissions (2):

Ambry Genetics
Classification: Uncertain significance for Inborn genetic diseases. Last evaluated: 2025-08-29. Review status: criteria provided, single submitter. Criteria: Ambry Variant Classification Scheme 2023. Collection method: clinical testing. Allele origin: germline.

Labcorp Genetics (formerly Invitae), Labcorp
Classification: Uncertain significance. Last evaluated: 2024-02-05. Review status: criteria provided, single submitter. Criteria: Invitae Variant Classification Sherloc (09022015). Collection method: clinical testing. Allele origin: germline.
Comment: This sequence change replaces tyrosine, which is neutral and polar, with phenylalanine, which is neutral and non-polar, at codon 63 of the BOLA3 protein (p.Tyr63Phe). This variant is not present in population databases (gnomAD no frequency). This variant has not been reported in the literature in individuals affected with BOLA3-related conditions. ClinVar contains an entry for this variant (Variation ID: 1917964). An algorithm developed to predict the effect of missense changes on protein structure and function (PolyPhen-2) suggests that this variant is likely to be disruptive. In summary, the available evidence is currently insufficient to determine the role of this variant in disease. Therefore, it has been classified as a Variant of Uncertain Significance.